The following is an entry in ClinVar:

ClinVar aggregate classification (germline): Uncertain significance. Review status: criteria provided, multiple submitters, no conflicts (2 of 4 stars). 3 submissions from 3 submitters: Uncertain significance (3). Last evaluated 2025-04-13.

Conditions:
Catecholaminergic polymorphic ventricular tachycardia (CVPT). Also called: Catecholamine-induced polymorphic ventricular tachycardia. Identifiers: Orphanet 3286, MedGen C5574922, MONDO:0017990.
Catecholaminergic polymorphic ventricular tachycardia 1. Also called: VENTRICULAR TACHYCARDIA, STRESS-INDUCED POLYMORPHIC 1; VENTRICULAR TACHYCARDIA, CATECHOLAMINERGIC POLYMORPHIC, 1, WITH OR WITHOUT ATRIAL DYSFUNCTION AND/OR DILATED CARDIOMYOPATHY; RYR2-Related Catecholaminergic Polymorphic Ventricular Tachycardia. Identifiers: Orphanet 3286, MedGen C1631597, MONDO:0011484, OMIM 604772.
Cardiomyopathy (CMYO). Also called: Cardiomyopathies. Identifiers: Orphanet 167848, MedGen C0878544, MONDO:0004994, HP:0001638. Inheritance: Various modes of inheritance.

Allele frequency attached by ClinVar (database versions not stated): TOPMed 0.00002.

Submissions (3):

Labcorp Genetics (formerly Invitae), Labcorp
Classification: Uncertain significance for Catecholaminergic polymorphic ventricular tachycardia 1. Last evaluated: 2025-04-13. Review status: criteria provided, single submitter. Criteria: Invitae Variant Classification Sherloc (09022015). Collection method: clinical testing. Allele origin: germline.
Comment: This sequence change falls in intron 25 of the RYR2 gene. It does not directly change the encoded amino acid sequence of the RYR2 protein. It affects a nucleotide within the consensus splice site. This variant is not present in population databases (gnomAD no frequency). This variant has not been reported in the literature in individuals affected with RYR2-related conditions. ClinVar contains an entry for this variant (Variation ID: 2774275). Variants that disrupt the consensus splice site are a relatively common cause of aberrant splicing (PMID: 17576681, 9536098). Algorithms developed to predict the effect of sequence changes on RNA splicing suggest that this variant is not likely to affect RNA splicing. In summary, the available evidence is currently insufficient to determine the role of this variant in disease. Therefore, it has been classified as a Variant of Uncertain Significance.

All of Us Research Program, National Institutes of Health
Classification: Uncertain significance for Catecholaminergic polymorphic ventricular tachycardia. Last evaluated: 2024-05-14. Review status: criteria provided, single submitter. Criteria: ACMG Guidelines, 2015. Collection method: clinical testing. Allele origin: germline. Inheritance: Autosomal dominant inheritance. Observed: 2 variant alleles, 2 heterozygotes.
Comment: This variant causes a T to C nucleotide substitution at the +6 position of intron 25 of the RYR2 gene. To our knowledge, functional studies have not been reported for this variant. This variant has not been reported in individuals affected with RYR2-related disorders in the literature. This variant has not been identified in the general population by the Genome Aggregation Database (gnomAD). The available evidence is insufficient to determine the role of this variant in disease conclusively. Therefore, this variant is classified as a Variant of Uncertain Significance.

This study involves interpretation of variants in research participants for the purpose of population health screening. Participant phenotype was not available at the time of variant classification. Additional details can be found in publication PMID: 35346344, PMCID: PMC8962531

Color Diagnostics, LLC DBA Color Health
Classification: Uncertain significance for Cardiomyopathy. Last evaluated: 2024-04-16. Review status: criteria provided, single submitter. Criteria: ACMG Guidelines, 2015. Collection method: clinical testing. Allele origin: germline.
Comment: This variant causes a T to C nucleotide substitution at the +6 position of intron 25 of the RYR2 gene. To our knowledge, functional studies have not been reported for this variant. This variant has not been reported in individuals affected with RYR2-related disorders in the literature. This variant has not been identified in the general population by the Genome Aggregation Database (gnomAD). The available evidence is insufficient to determine the role of this variant in disease conclusively. Therefore, this variant is classified as a Variant of Uncertain Significance.

Literature cited by the submitters: PubMed 17576681 (cited by Labcorp Genetics (formerly Invitae), Labcorp); PubMed 9536098 (cited by Labcorp Genetics (formerly Invitae), Labcorp).

NM_001035.3(RYR2):c.2906+6T>C

Gene: RYR2 (ryanodine receptor 2; plus strand). Cytogenetic location: 1q43.
Variant type: single nucleotide variant.
Coding change: c.2906+6T>C on transcript NM_001035.3 (MANE Select); 6 bases into the intron after coding-DNA position 2906, T replaced by C.
Molecular consequence: intron variant.
Genome position (GRCh38, 1-based): chr1:237,530,516, T>C. VCF-style: chr1-237530516-T-C. GRCh37 (hg19) VCF-style: chr1-237693816-T-C.
Identifiers: ClinVar variation 2774275 (VCV002774275.7), dbSNP rs1372415186, ClinGen allele CA733299672.
Genomic context (GRCh38, chr1:237,530,516, plus strand): 5'-GTATATCAGATGAACATGCTGAAGACAAGGTGAAAAAAATGAAGCTACCCAAGAAGTAAG[T>C]TGAATGACTAAGCAATATTAAATAATCTGTGTAGAGATTTAGTGCAACCAAATAACTCTT-3'